The following is an entry in ClinVar:

ClinVar aggregate classification (germline): Pathogenic (1 of 4 stars; one submission).

Conditions:
Epidermolysis bullosa simplex with nail dystrophy (EBS5D). Identifiers: MedGen C4225309, MONDO:0014661, OMIM 616487.
Epidermolysis bullosa simplex, Ogna type (EBS5A). Also called: EPIDERMOLYSIS BULLOSA SIMPLEX 5A, OGNA TYPE; Pidermolysis bullosa simplex 5A, Ogna type. Identifiers: Orphanet 79401, MedGen C0432317, MONDO:0007555, OMIM 131950.
Autosomal recessive limb-girdle muscular dystrophy type 2Q (LGMDR17). Also called: MUSCULAR DYSTROPHY, LIMB-GIRDLE, AUTOSOMAL RECESSIVE 17. Identifiers: Orphanet 254361, MedGen C3150989, MONDO:0013390, OMIM 613723.
Epidermolysis bullosa simplex 5B, with muscular dystrophy (EBS5B). Also called: EPIDERMOLYSIS BULLOSA SIMPLEX AND LIMB-GIRDLE MUSCULAR DYSTROPHY; Epidermolysis bullosa simplex with muscular dystrophy. Identifiers: Orphanet 257, MedGen C2931072, MONDO:0009181, OMIM 226670.
Epidermolysis bullosa simplex 5C, with pyloric atresia (EBS5C). Also called: PLEC-Related Epidermolysis Bullosa with Pyloric Atresia; Epidermolysis bullosa simplex with pyloric atresia; PLEC1-Related Epidermolysis Bullosa with Pyloric Atresia. Identifiers: Orphanet 158684, MedGen C2677349, MONDO:0012807, OMIM 612138.

Submission:

Labcorp Genetics (formerly Invitae), Labcorp
Classification: Pathogenic for Autosomal recessive limb-girdle muscular dystrophy type 2Q; Epidermolysis bullosa simplex, Ogna type; Epidermolysis bullosa simplex with nail dystrophy; Epidermolysis bullosa simplex 5C, with pyloric atresia; Epidermolysis bullosa simplex 5B, with muscular dystrophy. Last evaluated: 2025-03-24. Review status: criteria provided, single submitter. Criteria: Invitae Variant Classification Sherloc (09022015). Collection method: clinical testing. Allele origin: germline.
Comment: This sequence change creates a premature translational stop signal (p.Asp1308Glyfs*3) in the PLEC gene. It is expected to result in an absent or disrupted protein product. Loss-of-function variants in PLEC are known to be pathogenic (PMID: 20301336, 20447487, 21109228, 23289980, 28824526). This variant is not present in population databases (gnomAD no frequency). This variant has not been reported in the literature in individuals affected with PLEC-related conditions. For these reasons, this variant has been classified as Pathogenic.

Literature cited by the submitters: PubMed 20301336; PubMed 20447487; PubMed 21109228; PubMed 23289980; PubMed 28824526.

NC_000008.11:g.143927082dup

Gene: PLEC (plectin; minus strand). Cytogenetic location: 8q24.3.
Variant type: Duplication.
Genome position: GRCh38 VCF-style: chr8-143927080-T-TC. GRCh37 (hg19) VCF-style: chr8-145001248-T-TC.
Identifiers: ClinVar variation 4791599 (VCV004791599.1).